The following is an entry in ClinVar:

ClinVar aggregate classification (germline): Uncertain significance. Review status: criteria provided, single submitter (1 of 4 stars). 2 submissions from 2 submitters: Uncertain significance (1). 1 of the submissions does not count toward it. Last evaluated 2024-04-25.

Conditions:
Amyotrophic lateral sclerosis type 1 (ALS1). Also called: AMYOTROPHIC LATERAL SCLEROSIS 1, FAMILIAL. Identifiers: Orphanet 803, MedGen C1862939, MONDO:0007103, OMIM 105400.
Perry syndrome. Also called: PARKINSONISM WITH ALVEOLAR HYPOVENTILATION AND MENTAL DEPRESSION. Identifiers: Orphanet 178509, MedGen C1868594, MONDO:0008201, OMIM 168605.
Neuronopathy, distal hereditary motor, type 7B. Also called: NEURONOPATHY, DISTAL HEREDITARY MOTOR, AUTOSOMAL DOMINANT 14; NEURONOPATHY, DISTAL HEREDITARY MOTOR, HARDING TYPE VIIB; NEUROPATHY, DISTAL HEREDITARY MOTOR, HARDING TYPE VIIB; NEUROPATHY, DISTAL HEREDITARY MOTOR, WITH VOCAL CORD PARALYSIS, HARDING TYPE VIIB; HMN VIIB; Distal Hereditary Motor Neuronopathy Type 7B (dHMN7B). Identifiers: Orphanet 139589, MedGen C1843315, MONDO:0011879, OMIM 607641.
DCTN1-related disorder. Also called: DCTN1-related condition.

gnomAD v4.1: 13 of 1,614,152 alleles (0.00081%); highest among the groups gnomAD compares: East Asian, 0.0022%; no homozygotes.

Submissions (2):

Labcorp Genetics (formerly Invitae), Labcorp
Classification: Uncertain significance for Amyotrophic lateral sclerosis type 1; Neuronopathy, distal hereditary motor, type 7B; Perry syndrome. Last evaluated: 2024-04-25. Review status: criteria provided, single submitter. Criteria: Invitae Variant Classification Sherloc (09022015). Collection method: clinical testing. Allele origin: germline.
Comment: This sequence change replaces arginine, which is basic and polar, with glutamine, which is neutral and polar, at codon 583 of the DCTN1 protein (p.Arg583Gln). This variant is present in population databases (rs761071126, gnomAD 0.01%). This variant has not been reported in the literature in individuals affected with DCTN1-related conditions. Advanced modeling of protein sequence and biophysical properties (such as structural, functional, and spatial information, amino acid conservation, physicochemical variation, residue mobility, and thermodynamic stability) performed at Invitae indicates that this missense variant is not expected to disrupt DCTN1 protein function with a negative predictive value of 80%. In summary, the available evidence is currently insufficient to determine the role of this variant in disease. Therefore, it has been classified as a Variant of Uncertain Significance.

PreventionGenetics, part of Exact Sciences
Classification: Uncertain significance for DCTN1-related condition. Last evaluated: 2024-03-14. Review status: no assertion criteria provided. Collection method: clinical testing. Allele origin: germline. Not counted in ClinVar's aggregate classification.
Comment: The DCTN1 c.1748G>A variant is predicted to result in the amino acid substitution p.Arg583Gln. To our knowledge, this variant has not been reported in the literature. This variant is reported in 0.010% of alleles in individuals of East Asian descent in gnomAD. At this time, the clinical significance of this variant is uncertain due to the absence of conclusive functional and genetic evidence.

NM_004082.5(DCTN1):c.1748G>A (p.Arg583Gln)

Gene: DCTN1 (dynactin subunit 1; minus strand). Cytogenetic location: 2p13.1.
Variant type: single nucleotide variant.
Coding change: c.1748G>A on transcript NM_004082.5 (MANE Select); coding-DNA position 1748, G replaced by A.
Protein change: p.Arg583Gln; replaces arginine 583 with glutamine.
Molecular consequence: missense variant. On other transcripts: non-coding transcript variant (1).
Genome position (GRCh38, 1-based): chr2:74,368,834, C>T on the plus strand (G>A on the coding strand, the complement: DCTN1 is on the minus strand). VCF-style: chr2-74368834-C-T. GRCh37 (hg19) VCF-style: chr2-74595961-C-T.
Other names: c.1688G>A, p.Arg563Gln (NM_001135040.3); c.1346G>A, p.Arg449Gln (NM_001135041.3, NM_023019.4); c.1637G>A, p.Arg546Gln (NM_001190836.2); c.1727G>A, p.Arg576Gln (NM_001190837.2); c.1697G>A, p.Arg566Gln (NM_001378991.1); c.1679G>A, p.Arg560Gln (NM_001378992.1); short protein forms R449Q, R546Q, R560Q, R563Q, R566Q, R576Q, R583Q.
Identifiers: ClinVar variation 3349559 (VCV003349559.2).